The following is an entry in ClinVar:

ClinVar aggregate classification (germline): Pathogenic (1 of 4 stars; one submission).

Conditions:
Neurofibromatosis, type 1 (NF1). Also called: NEUROFIBROMATOSIS, TYPE I, SOMATIC; VON RECKLINGHAUSEN DISEASE; Peripheral type neurofibromatosis; Neurofibromatosis, type I. Identifiers: Orphanet 636, MedGen C0027831, MONDO:0018975, OMIM 162200. Disease mechanism: loss of function.

Submission:

Labcorp Genetics (formerly Invitae), Labcorp
Classification: Pathogenic for Neurofibromatosis, type 1. Last evaluated: 2025-07-15. Review status: criteria provided, single submitter. Criteria: Invitae Variant Classification Sherloc (09022015). Collection method: clinical testing. Allele origin: germline.
Comment: This sequence change creates a premature translational stop signal (p.Leu2373Thrfs*3) in the NF1 gene. It is expected to result in an absent or disrupted protein product. Loss-of-function variants in NF1 are known to be pathogenic (PMID: 10712197, 23913538). This variant is not present in population databases (gnomAD no frequency). This variant has not been reported in the literature in individuals affected with NF1-related conditions. For these reasons, this variant has been classified as Pathogenic.

Literature cited by the submitters: PubMed 10712197; PubMed 23913538.

NM_001042492.3(NF1):c.7178_7179dup (p.Leu2394fs)

Gene: NF1 (neurofibromin 1; plus strand). Cytogenetic location: 17q11.2.
Variant type: Microsatellite.
Coding change: c.7178_7179dup on transcript NM_001042492.3 (MANE Select); coding-DNA positions 7178 to 7179, 2 bases duplicated (AC; older notation c.7178_7179dupAC).
Protein change: p.Leu2394fs; shifts the reading frame from leucine 2394.
Molecular consequence: frameshift variant.
Genome position (GRCh38, 1-based): chr17:31,343,124-31,343,125, AC duplicated; duplicating any 2 consecutive bases within chr17:31,343,122-31,343,125 gives the same sequence; the c. name uses the placement nearest the transcript's 3' end. VCF-style (leftmost placement, unchanged base first): chr17-31343121-G-GAC. GRCh37 (hg19) VCF-style: chr17-29670139-G-GAC.
Other names: c.7115_7116dup, p.Leu2373fs (NM_000267.4); short protein forms L2373fs, L2394fs.
Identifiers: ClinVar variation 4723264 (VCV004723264.1).